The following is an entry in ClinVar:

NC_000016.9:g.(2160720_2160721)_(2164927_2165378)del

Gene: PKD1 (polycystin 1, transient receptor potential channel interacting; minus strand). Cytogenetic location: 16p13.3.
Variant type: Deletion.
Identifiers: ClinVar variation 3366630 (VCV003366630.1).

ClinVar aggregate classification (germline): Pathogenic (1 of 4 stars; one submission).

Conditions:
Polycystic kidney disease, adult type (PKD1). Also called: Polycystic Kidney, Autosomal Dominant; POLYCYSTIC KIDNEY DISEASE 1 WITH OR WITHOUT POLYCYSTIC LIVER DISEASE; POLYCYSTIC KIDNEY DISEASE, ADULT, TYPE I; Polycystic Kidney Disease 1, Autosomal Dominant; Polycystic kidney disease 1; Polycystic kidney disease 1, severe. Identifiers: MedGen C3149841, MONDO:0008263, OMIM 173900.

Submission:

Women's Health and Genetics/Laboratory Corporation of America, LabCorp
Classification: Pathogenic for Polycystic kidney disease, adult type. Last evaluated: 2024-08-23. Review status: criteria provided, single submitter. Criteria: LabCorp Variant Classification Summary - May 2015. Collection method: clinical testing. Allele origin: germline.
Comment: Variant summary: The variant involves the deletion of exons 11-15 in the PKD1 gene. A presumed nomenclature of c.(2097+1_2098-1)_(4447_4448)del has been designated for the purposes of this classification. This Copy Number Variant (CNV) is predicted to result in an in-frame deletion within this gene. The variant was absent in 21684 control chromosomes (gnomAD SV v2). To our knowledge, no occurrence of c.(2097+1_2098-1)_(4447_4448)del in individuals affected with Polycystic Kidney Disease 1 and no experimental evidence demonstrating its impact on protein function have been reported. At-least two missense variants within the deleted region have been reported as Pathogenic/Likely Pathogenic variants in ClinVar (p.Leu845Ser, p.Gly1319Arg). A smaller in-frame deletion spanning from Exon 11 to partial Exon 15 has also been reported in Polycystic Kidney Disease (PMID 28378423: c.(2097+1_2098-1)_3640del). No submitters have cited clinical-significance assessments for this variant to ClinVar. Based on the evidence outlined above, the variant was classified as pathogenic.